The following is an entry in ClinVar:

NM_002080.4(GOT2):c.1115A>G (p.Gln372Arg)

Gene: GOT2 (glutamic-oxaloacetic transaminase 2; minus strand). Cytogenetic location: 16q21.
Variant type: single nucleotide variant.
Coding change: c.1115A>G on transcript NM_002080.4 (MANE Select); coding-DNA position 1115, A replaced by G.
Protein change: p.Gln372Arg; replaces glutamine 372 with arginine.
Molecular consequence: missense variant.
Genome position (GRCh38, 1-based): chr16:58,709,472, T>C on the plus strand (A>G on the coding strand, the complement: GOT2 is on the minus strand). VCF-style: chr16-58709472-T-C. GRCh37 (hg19) VCF-style: chr16-58743376-T-C.
Other names: c.986A>G, p.Gln329Arg (NM_001286220.2); c.1115A>G (NM_002080.2); short protein forms Q372R, Q329R.
Identifiers: ClinVar variation 1419631 (VCV001419631.8), dbSNP rs1459042412, ClinGen allele CA396163320.
Genomic context (GRCh38, chr16:58,709,472, plus strand): 5'-CTCACCTGTTCAGGCTTTAGCCCTGTGAAACAGAACATGCCAATTTGGTCGGTGATGTGT[T>C]GCCAATTGTGGGTGGAACCCTCCTTCTTGAGGTTGGAGACCAGTTGAGTCCGCATGCCAA-3'
Protein context (NP_002071.2, residues 362-382): LKKEGSTHNW[Gln372Arg]HITDQIGMFC

ClinVar aggregate classification (germline): Uncertain significance. Review status: criteria provided, multiple submitters, no conflicts (2 of 4 stars). 2 submissions from 2 submitters: Uncertain significance (2). Last evaluated 2024-11-05.

Allele frequency attached by ClinVar (database versions not stated): gnomAD exomes below 0.00001 and 0.00001; gnomAD 0.00007 and 0.00008; TOPMed 0.00011.
gnomAD v4.1: 17 of 1,613,894 alleles (0.0011%); highest among the groups gnomAD compares: Admixed American, 0.02%; no homozygotes.

Submissions (2):

Labcorp Genetics (formerly Invitae), Labcorp
Classification: Uncertain significance. Last evaluated: 2024-11-05. Review status: criteria provided, single submitter. Criteria: Invitae Variant Classification Sherloc (09022015). Collection method: clinical testing. Allele origin: germline.
Comment: This sequence change replaces glutamine, which is neutral and polar, with arginine, which is basic and polar, at codon 372 of the GOT2 protein (p.Gln372Arg). This variant is present in population databases (no rsID available, gnomAD 0.003%). This variant has not been reported in the literature in individuals affected with GOT2-related conditions. ClinVar contains an entry for this variant (Variation ID: 1419631). Invitae Evidence Modeling of protein sequence and biophysical properties (such as structural, functional, and spatial information, amino acid conservation, physicochemical variation, residue mobility, and thermodynamic stability) indicates that this missense variant is not expected to disrupt GOT2 protein function with a negative predictive value of 80%. In summary, the available evidence is currently insufficient to determine the role of this variant in disease. Therefore, it has been classified as a Variant of Uncertain Significance.

Ambry Genetics
Classification: Uncertain significance. Last evaluated: 2022-11-17. Review status: criteria provided, single submitter. Criteria: Ambry Variant Classification Scheme 2023. Collection method: clinical testing. Allele origin: germline.